The following is an entry in ClinVar:

ClinVar aggregate classification (germline): Uncertain significance (1 of 4 stars; one submission).

Submission:

GeneDx
Classification: Uncertain significance. Last evaluated: 2022-01-12. Review status: criteria provided, single submitter. Criteria: GeneDx Variant Classification Process June 2021. Collection method: clinical testing. Allele origin: germline. Affected: yes.
Comment: Not observed at significant frequency in large population cohorts (gnomAD); In silico analysis supports that this missense variant does not alter protein structure/function; Has not been previously published as pathogenic or benign to our knowledge

NM_170682.4(P2RX2):c.758C>G (p.Thr253Arg)

Gene: P2RX2 (purinergic receptor P2X 2; plus strand). Cytogenetic location: 12q24.33.
Variant type: single nucleotide variant.
Coding change: c.758C>G on transcript NM_170682.4 (MANE Select); coding-DNA position 758, C replaced by G.
Protein change: p.Thr253Arg; replaces threonine 253 with arginine.
Molecular consequence: missense variant.
Genome position (GRCh38, 1-based): chr12:132,620,567, C>G. VCF-style: chr12-132620567-C-G. GRCh37 (hg19) VCF-style: chr12-133197153-C-G.
Other names: c.651C>G, p.His217Gln (NM_001282164.2); c.758C>G, p.Thr253Arg (NM_001282165.2, NM_170683.4, NM_174873.3); c.542C>G, p.Thr181Arg (NM_012226.5); c.686C>G, p.Thr229Arg (NM_016318.4); c.482C>G, p.Thr161Arg (NM_174872.3); short protein forms H217Q, T161R, T181R, T229R, T253R.
Identifiers: ClinVar variation 1311635 (VCV001311635.3), dbSNP rs2138376002, ClinGen allele CA387360718.